The following is an entry in ClinVar:

ClinVar aggregate classification (germline): Uncertain significance. Review status: criteria provided, multiple submitters, no conflicts (2 of 4 stars). 3 submissions from 3 submitters: Uncertain significance (3). Last evaluated 2026-04-23.

Conditions:
ADGRV1-related disorder. Also called: ADGRV1-related condition; ADGRV1-related disorders.
Inborn genetic diseases. Identifiers: MedGen C0950123, MeSH D030342.

Allele frequency attached by ClinVar (database versions not stated): gnomAD exomes below 0.00001; TOPMed below 0.00001; gnomAD 0.00001.
gnomAD v4.1: 5 of 1,610,430 alleles (0.00031%); highest among the groups gnomAD compares: African/African-American, 0.0013%; no homozygotes.

Submissions (3):

PreventionGenetics, part of Exact Sciences
Classification: Uncertain significance for ADGRV1-related condition. Last evaluated: 2026-04-23. Review status: criteria provided, single submitter. Criteria: ACMG Guidelines, 2015. Collection method: clinical testing. Allele origin: germline.
Comment: The ADGRV1 c.18376A>G variant is predicted to result in the amino acid substitution p.Met6126Val. To our knowledge, this variant has not been reported in the literature. This variant is reported in 0.0027% of alleles in individuals of European (Non-Finnish) descent in gnomAD. At this time, the clinical significance of this variant is uncertain due to the absence of conclusive functional and genetic evidence.

Ambry Genetics
Classification: Uncertain significance for Inborn genetic diseases. Last evaluated: 2024-03-19. Review status: criteria provided, single submitter. Criteria: Ambry Variant Classification Scheme 2023. Collection method: clinical testing. Allele origin: germline.

Labcorp Genetics (formerly Invitae), Labcorp
Classification: Uncertain significance. Last evaluated: 2022-08-26. Review status: criteria provided, single submitter. Criteria: Invitae Variant Classification Sherloc (09022015). Collection method: clinical testing. Allele origin: germline.
Comment: This sequence change replaces methionine, which is neutral and non-polar, with valine, which is neutral and non-polar, at codon 6126 of the ADGRV1 protein (p.Met6126Val). This variant is present in population databases (no rsID available, gnomAD 0.003%). This variant has not been reported in the literature in individuals affected with ADGRV1-related conditions. Algorithms developed to predict the effect of missense changes on protein structure and function output the following: SIFT: "Deleterious"; PolyPhen-2: "Benign"; Align-GVGD: "Class C0". The valine amino acid residue is found in multiple mammalian species, which suggests that this missense change does not adversely affect protein function. In summary, the available evidence is currently insufficient to determine the role of this variant in disease. Therefore, it has been classified as a Variant of Uncertain Significance.

NM_032119.4(ADGRV1):c.18376A>G (p.Met6126Val)

Gene: ADGRV1 (adhesion G protein-coupled receptor V1; plus strand). Cytogenetic location: 5q14.3.
Variant type: single nucleotide variant.
Coding change: c.18376A>G on transcript NM_032119.4 (MANE Select); coding-DNA position 18376, A replaced by G.
Protein change: p.Met6126Val; replaces methionine 6126 with valine.
Molecular consequence: missense variant. On other transcripts: non-coding transcript variant (1).
Genome position (GRCh38, 1-based): chr5:91,102,284, A>G. VCF-style: chr5-91102284-A-G. GRCh37 (hg19) VCF-style: chr5-90398101-A-G.
Other names: c.18376A>G (NM_032119.3); short protein forms M6126V.
Identifiers: ClinVar variation 1929718 (VCV001929718.4), dbSNP rs1259604363, ClinGen allele CA360431446.